The following is an entry in ClinVar:

NM_001458.5(FLNC):c.7427A>G (p.His2476Arg)

Genes: FLNC-AS1 (FLNC antisense RNA 1; minus strand), FLNC (filamin C; plus strand). Cytogenetic location: 7q32.1.
Variant type: single nucleotide variant.
Coding change: c.7427A>G on transcript NM_001458.5 (MANE Select); coding-DNA position 7427, A replaced by G.
Protein change: p.His2476Arg; replaces histidine 2476 with arginine.
Molecular consequence: missense variant.
Genome position (GRCh38, 1-based): chr7:128,856,787, A>G. VCF-style: chr7-128856787-A-G. GRCh37 (hg19) VCF-style: chr7-128496841-A-G.
Other names: p.His2476Arg; c.7328A>G, p.His2443Arg (NM_001127487.2); short protein forms H2476R, H2443R.
Identifiers: ClinVar variation 619273 (VCV000619273.11), dbSNP rs1563005164, ClinGen allele CA369217328.

ClinVar aggregate classification (germline): Uncertain significance. Review status: criteria provided, multiple submitters, no conflicts (2 of 4 stars). 3 submissions from 3 submitters: Uncertain significance (3). Last evaluated 2026-01-29.

Conditions:
Hypertrophic cardiomyopathy 26. Also called: Cardiomyopathy, familial hypertrophic, 26. Identifiers: Orphanet 75249, MedGen C4310749, MONDO:0014883, OMIM 617047.
Myofibrillar myopathy 5. Also called: Filaminopathy (type); FILAMINOPATHY, AUTOSOMAL DOMINANT. Identifiers: Orphanet 171445, MedGen C1836050, MONDO:0012289, OMIM 609524.
Distal myopathy with posterior leg and anterior hand involvement. Also called: WILLIAMS DISTAL MYOPATHY. Identifiers: Orphanet 63273, MedGen C3279722, MONDO:0013550, OMIM 614065.
Hypertrophic cardiomyopathy. Also called: HYPERTROPHIC MYOCARDIOPATHY. Identifiers: Orphanet 217569, MedGen C0007194, MeSH D002312, MONDO:0005045, HP:0001639.

Submissions (3):

Department of Molecular Genetics, Istishari Arab Hospital
Classification: Uncertain significance for Hypertrophic cardiomyopathy 26. Last evaluated: 2026-01-29. Review status: criteria provided, single submitter. Criteria: ACMG Guidelines, 2015. Collection method: clinical testing. Allele origin: germline. Inheritance: Autosomal dominant inheritance. Affected: yes.
Comment: The FLNC variant c.7427A>G, p.His2476Arg creates a change in the reading frame from His to Arg at position 2476. The variant is not observed in the gnomAD v4.1.0 dataset. This variant has been observed in individual(s) with hypertrophic cardiomyopathy (HCM) (PMID: 31513939). It is classified as a variant of uncertain significance according to the recommendations of ACMG/AMP/ClinGen SVI guidelines.

Labcorp Genetics (formerly Invitae), Labcorp
Classification: Uncertain significance for Distal myopathy with posterior leg and anterior hand involvement; Myofibrillar myopathy 5; Hypertrophic cardiomyopathy 26. Last evaluated: 2021-03-07. Review status: criteria provided, single submitter. Criteria: Invitae Variant Classification Sherloc (09022015). Collection method: clinical testing. Allele origin: germline.
Comment: In summary, the available evidence is currently insufficient to determine the role of this variant in disease. Therefore, it has been classified as a Variant of Uncertain Significance. Algorithms developed to predict the effect of missense changes on protein structure and function are either unavailable or do not agree on the potential impact of this missense change (SIFT: "Deleterious"; PolyPhen-2: "Probably Damaging"; Align-GVGD: "Class C0"). This variant has been observed in individual(s) with hypertrophic cardiomyopathy (HCM) (PMID: 31513939). ClinVar contains an entry for this variant (Variation ID: 619273). This variant is not present in population databases (ExAC no frequency). This sequence change replaces histidine with arginine at codon 2476 of the FLNC protein (p.His2476Arg). The histidine residue is highly conserved and there is a small physicochemical difference between histidine and arginine.

Center for Human Genetics, University of Leuven
Classification: Uncertain significance for Hypertrophic cardiomyopathy. Last evaluated: 2018-10-31. Review status: criteria provided, single submitter. Criteria: ACMG Guidelines, 2015. Collection method: clinical testing. Allele origin: germline. Affected: yes.

Literature cited by the submitters: PubMed 31513939 (cited by Department of Molecular Genetics, Istishari Arab Hospital and Labcorp Genetics (formerly Invitae), Labcorp).